The following is an entry in ClinVar:

ClinVar aggregate classification (germline): Conflicting classifications of pathogenicity. Review status: criteria provided, conflicting classifications (1 of 4 stars). 2 submissions from 2 submitters: Uncertain significance (1); Likely benign (1). Last evaluated 2023-11-18.

Conditions:
Adenylosuccinate lyase deficiency (ADSLD). Also called: ADSL DEFICIENCY. Identifiers: Orphanet 46, MedGen C0268126, MONDO:0007068, OMIM 103050.

Allele frequency attached by ClinVar (database versions not stated): gnomAD below 0.00001 and 0.00001; ExAC 0.00002; gnomAD exomes 0.00002 and 0.00004.
gnomAD v4.1: 30 of 1,613,274 alleles (0.0019%); highest among the groups gnomAD compares: South Asian, 0.032%; no homozygotes.

Submissions (2):

Labcorp Genetics (formerly Invitae), Labcorp
Classification: Likely benign for Adenylosuccinate lyase deficiency. Last evaluated: 2023-11-18. Review status: criteria provided, single submitter. Criteria: Invitae Variant Classification Sherloc (09022015). Collection method: clinical testing. Allele origin: germline.

New York Genome Center
Classification: Uncertain significance for Adenylosuccinate lyase deficiency. Last evaluated: 2021-03-05. Review status: criteria provided, single submitter. Criteria: NYGC Assertion Criteria 2020. Collection method: clinical testing. Allele origin: inherited. Observed: 1 compound heterozygote. Study: CSER-NYCKidSeq.
Comment: The inherited c.1102-6C>G variant identified in the ADSL gene substitutes a Cytosine for Guanine at the -6 position of intron 10/12. This variant is found with low frequency in gnomAD(v3.1) (2 heterozygotes, 0 homozygotes; allele frequency: 1.32e-5) suggesting it is not a common benign variant in the populations represented in that database. SpliceAI does not predict an effect of this variant on splicing (score:0.00), however the Transcript Inferred Pathogenicity (TraP) score for this variant is 0.407, which is >99% score-percentile, suggesting it is probably damaging to splicing. This variant is reported as a Variant of Uncertain Significance in ClinVar (VarID:858890) and to our current knowledge has not been reported in affected individuals in the literature. Given the lack of compelling evidence for its pathogenicity, the inherited c.1102-6C>G variant identified in the ADSL gene is reported as a Variant of Uncertain Significance.

NM_000026.4(ADSL):c.1102-6C>G

Gene: ADSL (adenylosuccinate lyase; plus strand). Cytogenetic location: 22q13.1.
Variant type: single nucleotide variant.
Coding change: c.1102-6C>G on transcript NM_000026.4 (MANE Select); 6 bases into the intron before coding-DNA position 1102, C replaced by G.
Molecular consequence: intron variant.
Genome position (GRCh38, 1-based): chr22:40,364,270, C>G. VCF-style: chr22-40364270-C-G. GRCh37 (hg19) VCF-style: chr22-40760274-C-G.
Other names: c.1102-6C>G (NM_001363840.3, NM_001123378.3); c.910-6C>G (NM_001317923.2).
Identifiers: ClinVar variation 858890 (VCV000858890.10), dbSNP rs758666194, ClinGen allele CA10247920.